The following is an entry in ClinVar:

ClinVar aggregate classification (germline): Uncertain significance (1 of 4 stars; one submission).

Submission:

Labcorp Genetics (formerly Invitae), Labcorp
Classification: Uncertain significance. Last evaluated: 2023-08-09. Review status: criteria provided, single submitter. Criteria: Invitae Variant Classification Sherloc (09022015). Collection method: clinical testing. Allele origin: germline.
Comment: In summary, the available evidence is currently insufficient to determine the role of this variant in disease. Therefore, it has been classified as a Variant of Uncertain Significance. This variant has not been reported in the literature in individuals affected with FLNB-related conditions. This variant is not present in population databases (gnomAD no frequency). This variant, c.4987_4992dup, results in the insertion of 2 amino acid(s) of the FLNB protein (p.Asp1663_Val1664dup), but otherwise preserves the integrity of the reading frame.

NM_001457.4(FLNB):c.4987_4992dup (p.Val1664_Ile1665insAspVal)

Gene: FLNB (filamin B; plus strand). Cytogenetic location: 3p14.3.
Variant type: Duplication.
Coding change: c.4987_4992dup on transcript NM_001457.4 (MANE Select); coding-DNA positions 4987 to 4992, 6 bases duplicated (GATGTC; older notation c.4987_4992dupGATGTC).
Protein change: p.Val1664_Ile1665insAspVal.
Molecular consequence: inframe insertion.
Genome position (GRCh38, 1-based): chr3:58,138,407-58,138,412, GATGTC duplicated; duplicating any 6 consecutive bases within chr3:58,138,406-58,138,412 gives the same sequence; the c. name uses the placement nearest the transcript's 3' end. VCF-style (leftmost placement, unchanged base first): chr3-58138405-C-CCGATGT. GRCh37 (hg19) VCF-style: chr3-58124132-C-CCGATGT.
Other names: c.5080_5085dup, p.Val1695_Ile1696insAspVal (NM_001164317.2); c.4987_4992dup, p.Val1664_Ile1665insAspVal (NM_001164318.2, NM_001164319.2).
Identifiers: ClinVar variation 2751417 (VCV002751417.3), dbSNP rs2471173222, ClinGen allele CA2577804559.